The following continues an entry in ClinVar:

NM_004360.5(CDH1):c.1565+1G>A

Gene: CDH1. ClinVar aggregate classification (germline): Pathogenic. Pathogenic (1).

Submissions 11 to 22 of 22:

Myriad Genetics, Inc.
Classification: Likely pathogenic for Hereditary diffuse gastric adenocarcinoma. Last evaluated: 2023-03-07. Review status: criteria provided, single submitter. Criteria: Myriad Autosomal Dominant, Autosomal Recessive and X-Linked Classification Criteria (2023). Collection method: clinical testing. Allele origin: unknown. Not counted in ClinVar's aggregate classification.
Comment: This variant is considered likely pathogenic. This variant occurs within a consensus splice junction and is predicted to result in abnormal mRNA splicing of either an out-of-frame exon or an in-frame exon necessary for protein stability and/or normal function.

Institute of Human Genetics, University of Leipzig Medical Center
Classification: Pathogenic for Hereditary diffuse gastric adenocarcinoma. Last evaluated: 2023-02-22. Review status: criteria provided, single submitter. Criteria: ACMG Guidelines, 2015. Collection method: clinical testing. Allele origin: unknown. Affected: yes. Not counted in ClinVar's aggregate classification.
Comment: _x000D_ Criteria applied: PVS1, PS4_MOD, PM2_SUP

Ambry Genetics
Classification: Pathogenic for Hereditary cancer-predisposing syndrome. Last evaluated: 2023-01-06. Review status: criteria provided, single submitter. Criteria: Ambry Variant Classification Scheme 2023. Collection method: clinical testing. Allele origin: germline. Not counted in ClinVar's aggregate classification.
Comment: The c.1565+1G>A intronic pathogenic mutation results from a G to A substitution one nucleotide after coding exon 10 of the CDH1 gene. This mutation has been reported as pathogenic in a lobular breast cancer patient, whose family history was significant primarily for multiple breast cancers and also one early-onset gastric cancer (Schrader KA et al. Fam Cancer. 2008;7:73-82). In addition, a second splicing mutation at this position, c.1565+1G>T, has been detected in a diffuse gastric cancer family (Humar B et al. Hum Mutat. 2002;19(5):518-25). Of note, this mutation is also called IVS10+1G>A in published literature. In silico splice site analysis predicts that this alteration will weaken the native splice donor site and will result in the creation or strengthening of a novel splice donor site. RNA studies have demonstrated that this alteration results in abnormal splicing in the set of samples tested (Ambry internal data). In addition to the clinical data presented in the literature, alterations that disrupt the canonical splice site are expected to cause aberrant splicing, resulting in an abnormal protein or a transcript that is subject to nonsense-mediated mRNA decay. As such, this alteration is classified as a disease-causing mutation.

Centre for Mendelian Genomics, University Medical Centre Ljubljana
Classification: Pathogenic for Familial cancer of breast. Last evaluated: 2022-12-09. Review status: criteria provided, single submitter. Criteria: ACMG Guidelines, 2015. Collection method: research. Allele origin: germline. Affected: no. Not counted in ClinVar's aggregate classification.
Comment: PVS1_STR, PS4_STR, PS3, PM2_SUP, PP1

European Reference Network on Genetic Tumour Risk Syndromes (ERN-GENTURIS), i3s - Instituto de Investigação e Inovação em Saúde, University of Porto
Classification: Likely pathogenic for Hereditary diffuse gastric adenocarcinoma. Last evaluated: 2022-08-01. Review status: criteria provided, single submitter. Criteria: Lee et al. (Hum Mutat. 2018). Collection method: clinical testing. Allele origin: germline. Inheritance: Autosomal dominant inheritance. Affected: yes. Study: ERN GENTURIS. Not counted in ClinVar's aggregate classification.
Comment: PVS1_Strong; PS4_Moderate; PM2 (PMID: 30311375)

Color Diagnostics, LLC DBA Color Health
Classification: Pathogenic for Hereditary cancer-predisposing syndrome. Last evaluated: 2022-01-20. Review status: criteria provided, single submitter. Criteria: ACMG Guidelines, 2015. Collection method: clinical testing. Allele origin: germline. Not counted in ClinVar's aggregate classification.
Comment: This variant causes a G>A nucleotide substitution at the canonical +1 position of intron 10 splice donor of the CDH1 gene. RNA studies have shown that this variant results in the use of a cryptic splice site, resulting in a 6 bp message insertion and premature stop at codon 523 (PMID: 31843900). This variant has been reported in individuals affected with breast and diffuse gastric cancer (PMID: 18046629, 24506336, 26182300, 26681312, 27064202, 27153395, 33322525; Lowstuter 2017, DOI: 10.1200/PO.16.00021). Different DNA subsitution variants at the +1 G nucleotide position have also been reported in individuals and families affected with diffuse gastric cancer (PMID: 11968084, 18788075, 26182300). This variant has not been identified in the general population by the Genome Aggregation Database (gnomAD). Loss of CDH1 function is a known mechanism of disease. Based on the available evidence, this variant is classified as Pathogenic.

Department of Molecular Diagnostics, Institute of Oncology Ljubljana
Classification: Pathogenic for Familial cancer of breast. Last evaluated: 2020-04-02. Review status: criteria provided, single submitter. Criteria: ACMG Guidelines, 2015. Collection method: clinical testing. Allele origin: germline. Affected: yes. Not counted in ClinVar's aggregate classification.

King Laboratory, University of Washington
Classification: Pathogenic for Familial cancer of breast; Hereditary diffuse gastric cancer. Last evaluated: 2019-09-01. Review status: no assertion criteria provided. Collection method: research. Allele origin: germline. Affected: yes. Not counted in ClinVar's aggregate classification.
Comment: Transcript analysis by cBROCA

Counsyl
Classification: Pathogenic for Hereditary diffuse gastric adenocarcinoma. Last evaluated: 2017-10-16. Review status: no assertion criteria provided. Collection method: clinical testing. Allele origin: unknown. Not counted in ClinVar's aggregate classification.

Dr. Peter K. Rogan Lab, Western University
No classification provided (evidence only). Condition: Familial cancer of breast. Review status: no classification provided. Collection method: in vitro. Allele origin: not applicable. Functional consequence: retained intron. Not counted in ClinVar's aggregate classification.

Dr. Peter K. Rogan Lab, Western University
No classification provided (evidence only). Condition: Thyroid cancer, nonmedullary, 1. Review status: no classification provided. Collection method: in vitro. Allele origin: not applicable. Functional consequence: retained intron. Not counted in ClinVar's aggregate classification.

MutSpliceDB: a database of splice sites variants effects on splicing, NIH
No classification provided (evidence only). Review status: no classification provided. Collection method: in vivo. Allele origin: not applicable. Functional consequence: retained intron. Not counted in ClinVar's aggregate classification.

Literature cited by the submitters: PubMed 16199547 (cited by Labcorp Genetics (formerly Invitae), Labcorp); PubMed 15235021 (cited by Labcorp Genetics (formerly Invitae), Labcorp); PubMed 20373070 (cited by Labcorp Genetics (formerly Invitae), Labcorp); PubMed 18046629 (cited by 4 submitters); PubMed 26182300 (cited by 4 submitters); PubMed 27064202 (cited by 3 submitters); PubMed 27153395 (cited by Labcorp Genetics (formerly Invitae), Labcorp and Color Diagnostics, LLC DBA Color Health); PubMed 31843900 (cited by 3 submitters); PubMed 18788075 (cited by Department of Pathology and Laboratory Medicine, Sinai Health System and Color Diagnostics, LLC DBA Color Health); PubMed 26681312 (cited by 3 submitters); PubMed 36436516 (cited by Department of Pathology and Laboratory Medicine, Sinai Health System and European Reference Network on Genetic Tumour Risk Syndromes (ERN-GENTURIS), i3s - Instituto de Investigação e Inovação em Saúde, University of Porto); PubMed 11968084 (cited by Color Diagnostics, LLC DBA Color Health); PubMed 24506336 (cited by Color Diagnostics, LLC DBA Color Health); PubMed 33322525 (cited by Color Diagnostics, LLC DBA Color Health); PubMed 25525159 (cited by Counsyl).